The following is an entry in ClinVar:

NM_000558.5(HBA1):c.17_18delinsGCCT (p.Ala6fs)

Genes: HBA1 (hemoglobin subunit alpha 1; plus strand), LOC106804613 (hemoglobin subunit alpha 1 recombination region; plus strand). Cytogenetic location: 16p13.3.
Variant type: Indel.
Coding change: c.17_18delinsGCCT on transcript NM_000558.5 (MANE Select); coding-DNA positions 17 to 18, CC replaced by GCCT.
Protein change: p.Ala6fs; shifts the reading frame from alanine 6.
Molecular consequence: frameshift variant.
Genome position (GRCh38, 1-based): chr16:176,733-176,734, CC replaced by GCCT. VCF-style: chr16-176733-CC-GCCT. GRCh37 (hg19) VCF-style: chr16-226732-CC-GCCT.
Other names: short protein forms A6fs.
Identifiers: ClinVar variation 4814383 (VCV004814383.1).

ClinVar aggregate classification (germline): Likely pathogenic (1 of 4 stars; one submission).

Conditions:
alpha Thalassemia. Also called: Alpha thalassemia spectrum. Identifiers: Orphanet 846, MedGen C0002312, MONDO:0011399, OMIM 604131.

Submission:

Natera, Inc.
Classification: Likely pathogenic for Alpha thalassemia. Last evaluated: 2024-11-13. Review status: criteria provided, single submitter. Criteria: Natera Variant Classification Schema (03/2026). Collection method: clinical testing. Allele origin: germline.
Comment: The c.17_18delCCinsGCCT variant in HBA1 is a frameshift variant predicted to shift the reading frame beginning at codon 6 and leads to a stop codon 45 codons downstream. This variant is expected to result in nonsense mediated decay, truncation, or a dysfunctional protein product. This variant is rare in the general population with a frequency below the threshold expected for the associated phenotype(s). Given the available evidence, this variant is classified as Likely Pathogenic.